The following is an entry in ClinVar:

ClinVar aggregate classification (germline): Uncertain significance. Review status: criteria provided, multiple submitters, no conflicts (2 of 4 stars). 2 submissions from 2 submitters: Uncertain significance (2). Last evaluated 2021-06-30.

Conditions:
Cardiovascular phenotype. Identifiers: MedGen CN230736.
Hypertrophic cardiomyopathy. Also called: HYPERTROPHIC MYOCARDIOPATHY. Identifiers: Orphanet 217569, MedGen C0007194, MeSH D002312, MONDO:0005045, HP:0001639.

Submissions (2):

Labcorp Genetics (formerly Invitae), Labcorp
Classification: Uncertain significance for Hypertrophic cardiomyopathy. Last evaluated: 2021-06-30. Review status: criteria provided, single submitter. Criteria: Invitae Variant Classification Sherloc (09022015). Collection method: clinical testing. Allele origin: germline.
Comment: ClinVar contains an entry for this variant (Variation ID: 263460). This variant has been observed in individual(s) with hypertrophic cardiomyopathy (PMID: 20031618; Invitae). This variant is not present in population databases (ExAC no frequency). This sequence change replaces leucine with histidine at codon 889 of the MYH7 protein (p.Leu889His). The leucine residue is highly conserved and there is a moderate physicochemical difference between leucine and histidine. Algorithms developed to predict the effect of missense changes on protein structure and function (SIFT, PolyPhen-2, Align-GVGD) all suggest that this variant is likely to be disruptive. In summary, the available evidence is currently insufficient to determine the role of this variant in disease. Therefore, it has been classified as a Variant of Uncertain Significance. This variant is found within a region of MYH7 between codons 181 and 937 that contains the majority of the myosin head domain. Missense variants in this region have been shown to be significantly overrepresented in individuals with hypertrophic cardiomyopathy (PMID: 27532257).

Ambry Genetics
Classification: Uncertain significance for Cardiovascular phenotype. Last evaluated: 2012-12-13. Review status: criteria provided, single submitter. Criteria: Ambry Autosomal Dominant and X-Linked criteria (10/2015). Collection method: clinical testing. Allele origin: germline. Observed: 1 variant allele.
Comment: There is insufficient or conflicting evidence for classification of this alteration.

Literature cited by the submitters: PubMed 20031618 (cited by Labcorp Genetics (formerly Invitae), Labcorp); PubMed 27532257 (cited by Labcorp Genetics (formerly Invitae), Labcorp).

NM_000257.4(MYH7):c.2666T>A (p.Leu889His)

Genes: MYH7 (myosin heavy chain 7; minus strand), LOC126861898 (BRD4-independent group 4 enhancer GRCh37_chr14:23893609-23894808; plus strand). Cytogenetic location: 14q11.2.
Variant type: single nucleotide variant.
Coding change: c.2666T>A on transcript NM_000257.4 (MANE Select); coding-DNA position 2666, T replaced by A.
Protein change: p.Leu889His; replaces leucine 889 with histidine.
Molecular consequence: missense variant.
Genome position (GRCh38, 1-based): chr14:23,424,782, A>T on the plus strand (T>A on the coding strand, the complement: MYH7 is on the minus strand). VCF-style: chr14-23424782-A-T. GRCh37 (hg19) VCF-style: chr14-23893991-A-T.
Other names: c.2666T>A (LRG_384t1); short protein forms L889H.
Identifiers: ClinVar variation 263460 (VCV000263460.12), dbSNP rs886038813, ClinGen allele CA10587774.
Genomic context (GRCh38, chr14:23,424,782, plus strand): 5'-GAAGGCAGAGCAGGGTGGAAGAGCCAACAGTAGCCCAGGAGCCTCACCGCCTGCACTTGG[A>T]GCTGCAGGTCATTCTTCTCCTGCAGCAGGGACACCATCTTCTCCTCCAGCTCCTTGCGGC-3'
Protein context (NP_000248.2, residues 879-899): SLLQEKNDLQ[Leu889His]QVQAEQDNLA